The following is an entry in ClinVar:

ClinVar aggregate classification (germline): Likely pathogenic. Review status: criteria provided, multiple submitters, no conflicts (2 of 4 stars). 2 submissions from 2 submitters: Likely pathogenic (2). Last evaluated 2025-03-06.

Conditions:
Cardiovascular phenotype. Identifiers: MedGen CN230736.
Dilated cardiomyopathy 1G (CMD1G). Identifiers: Orphanet 154, MedGen C1858763, MONDO:0011400, OMIM 604145.

Submissions (2):

Ambry Genetics
Classification: Likely pathogenic for Cardiovascular phenotype. Last evaluated: 2025-03-06. Review status: criteria provided, single submitter. Criteria: Ambry Variant Classification Scheme 2023. Collection method: clinical testing. Allele origin: germline.
Comment: The c.30105_30108dupTAGA variant, located in coding exon 121 of the TTN gene, results from a duplication of TAGA at nucleotide position 30105, causing a translational frameshift with a predicted alternate stop codon (p.I10037*). This exon is located in the A-band region of the N2-B isoform of the titin protein and is constitutively expressed in TTN transcripts (percent spliced in or PSI 100%). This variant is considered to be rare based on population cohorts in the Genome Aggregation Database (gnomAD). This variant is expected to result in loss of function by premature protein truncation or nonsense-mediated mRNA decay. While truncating variants in TTN are present in 1-3% of the general population, truncating variants in the A-band are the most common cause of dilated cardiomyopathy (Herman DS et al. N. Engl. J. Med., 2012 Feb;366:619-28; Roberts AM et al. Sci Transl Med, 2015 Jan;7:270ra6). TTN truncating variants encoded in constitutive exons (PSI >90%) have been found to be significantly associated with DCM regardless of their position in titin (Schafer S et al. Nat. Genet., 2017 01;49:46-53; Akhtar MM et al. Circ Heart Fail, 2020 Oct;13:e006832; Massier M et al. Clin Genet, 2025 Jan). Based on the majority of available evidence to date, this variant is likely to be pathogenic.

MVZ Martinsried, Medicover Genetics
Classification: Likely pathogenic for Dilated cardiomyopathy 1G. Last evaluated: 2017-11-20. Review status: criteria provided, single submitter. Criteria: ACMG Guidelines, 2015. Collection method: clinical testing. Allele origin: unknown. Affected: yes.

NM_001267550.2(TTN):c.57300_57303dup (p.Ile19102Ter)

Genes: TTN (titin; minus strand), TTN-AS1 (TTN antisense RNA 1; plus strand). Cytogenetic location: 2q31.2.
Variant type: Duplication.
Coding change: c.57300_57303dup on transcript NM_001267550.2 (MANE Select); coding-DNA positions 57300 to 57303, 4 bases duplicated (TAGA; older notation c.57300_57303dupTAGA).
Protein change: p.Ile19102Ter; replaces isoleucine 19102 with a stop codon.
Molecular consequence: nonsense.
Genome position (GRCh38, 1-based): chr2:178,597,779-178,597,782, TCTA duplicated on the plus strand (TAGA on the coding strand, the reverse complement: TTN is on the minus strand); duplicating any 4 consecutive bases within chr2:178,597,779-178,597,785 gives the same sequence; the c. name uses the placement nearest the transcript's 3' end. VCF-style (leftmost placement, unchanged base first): chr2-178597778-T-TTCTA. GRCh37 (hg19) VCF-style: chr2-179462505-T-TTCTA.
Other names: c.30105_30108dupTAGA (NM_003319.4); c.52377_52380dup, p.Ile17461Ter (NM_001256850.1); c.30105_30108dup, p.Ile10037Ter (NM_003319.4); c.49596_49599dup, p.Ile16534Ter (NM_133378.4); c.30480_30483dup, p.Ile10162Ter (NM_133432.3); c.30681_30684dup, p.Ile10229Ter (NM_133437.4); c.57300_57303dupTAGA (NM_001267550.2); short protein forms I10037*, I10162*, I10229*, I16534*, I17461*, I19102*.
Identifiers: ClinVar variation 520404 (VCV000520404.4), dbSNP rs1553659902, ClinGen allele CA658796045.